The following is an entry in ClinVar:

ClinVar aggregate classification (germline): Benign (1 of 4 stars; one submission).

Allele frequency attached by ClinVar (database versions not stated): gnomAD 0.51366 and 0.51563; TOPMed 0.52567; 1000 Genomes Project 30x 0.59557; 1000 Genomes Project 0.59824.
gnomAD v4.1: 78,154 of 151,984 alleles (51%); highest among the groups gnomAD compares: African/African-American, 75%; 22,228 homozygotes.

Submission:

GeneDx
Classification: Benign. Last evaluated: 2018-06-14. Review status: criteria provided, single submitter. Criteria: GeneDx Variant Classification (06012015). Collection method: clinical testing. Allele origin: germline. Affected: yes.
Comment: This variant is considered likely benign or benign based on one or more of the following criteria: it is a conservative change, it occurs at a poorly conserved position in the protein, it is predicted to be benign by multiple in silico algorithms, and/or has population frequency not consistent with disease.

NM_182961.4(SYNE1):c.4009-250T>C

Gene: SYNE1 (spectrin repeat containing nuclear envelope protein 1; minus strand). Cytogenetic location: 6q25.2.
Variant type: single nucleotide variant.
Coding change: c.4009-250T>C on transcript NM_182961.4 (MANE Select); 250 bases into the intron before coding-DNA position 4009, T replaced by C.
Molecular consequence: intron variant.
Genome position (GRCh38, 1-based): chr6:152,441,520, A>G on the plus strand (T>C on the coding strand, the complement: SYNE1 is on the minus strand). VCF-style: chr6-152441520-A-G. GRCh37 (hg19) VCF-style: chr6-152762655-A-G.
Other names: c.4030-250T>C (NM_033071.5).
Identifiers: ClinVar variation 670613 (VCV000670613.1), dbSNP rs214996, ClinGen allele CA150229543.